The following is an entry in ClinVar:

NM_006648.4(WNK2):c.1676G>A (p.Gly559Asp)

Gene: WNK2 (WNK lysine deficient protein kinase 2; plus strand). Cytogenetic location: 9q22.31.
Variant type: single nucleotide variant.
Coding change: c.1676G>A on transcript NM_006648.4 (MANE Select); coding-DNA position 1676, G replaced by A.
Protein change: p.Gly559Asp; replaces glycine 559 with aspartic acid.
Molecular consequence: missense variant.
Genome position (GRCh38, 1-based): chr9:93,247,676, G>A. VCF-style: chr9-93247676-G-A. GRCh37 (hg19) VCF-style: chr9-96009958-G-A.
Other names: c.1676G>A, p.Gly559Asp (NM_001282394.3); short protein forms G559D.
Identifiers: ClinVar variation 4201830 (VCV004201830.1).

ClinVar aggregate classification (germline): Uncertain significance (1 of 4 stars; one submission).

gnomAD v4.1: 3 of 1,575,748 alleles (0.00019%); highest among the groups gnomAD compares: Non-Finnish European, 0.00017%; no homozygotes.

Submission:

Ambry Genetics
Classification: Uncertain significance. Last evaluated: 2025-08-29. Review status: criteria provided, single submitter. Criteria: Ambry Variant Classification Scheme 2023. Collection method: clinical testing. Allele origin: germline.
Comment: The p.G559D variant (also known as c.1676G>A), located in coding exon 7 of the WNK2 gene, results from a G to A substitution at nucleotide position 1676. The glycine at codon 559 is replaced by aspartic acid, an amino acid with similar properties. This amino acid position is conserved. In addition, this alteration is predicted to be tolerated by in silico analysis. Based on the available evidence, the clinical significance of this variant remains unclear.